The following is an entry in ClinVar:

ClinVar aggregate classification (germline): Benign/Likely benign. Review status: criteria provided, multiple submitters, no conflicts (2 of 4 stars). 21 submissions from 21 submitters: Benign (14); Likely benign (2). 5 of the submissions do not count toward it. Last evaluated 2026-03-27.

Conditions:
Cardiomyopathy (CMYO). Also called: Cardiomyopathies. Identifiers: Orphanet 167848, MedGen C0878544, MONDO:0004994, HP:0001638. Inheritance: Various modes of inheritance.
Duchenne muscular dystrophy (DMD). Also called: Duchenne Muscular Dystrophy (DMD); MUSCULAR DYSTROPHY, PSEUDOHYPERTROPHIC PROGRESSIVE, DUCHENNE TYPE. Identifiers: Orphanet 98896, MedGen C0013264, MONDO:0010679, OMIM 310200.
Dystrophin deficiency.
Becker muscular dystrophy (BMD). Also called: MUSCULAR DYSTROPHY, PSEUDOHYPERTROPHIC PROGRESSIVE, BECKER TYPE; Becker Muscular Dystrophy (BMD). Identifiers: Orphanet 98895, MedGen C0917713, MONDO:0010311, OMIM 300376.
Cardiovascular phenotype. Identifiers: MedGen CN230736.
Dilated cardiomyopathy 3B (CMD3B). Also called: CMD3B: DMD-Related Dilated Cardiomyopathy; CARDIOMYOPATHY, DILATED, X-LINKED; DMD-Associated Dilated Cardiomyopathy. Identifiers: Orphanet 154, MedGen C3668940, MONDO:0010542, OMIM 302045.

Allele frequency attached by ClinVar (database versions not stated): ExAC 0.02224; 1000 Genomes Project 0.03709; gnomAD 0.02886 and 0.02976; 1000 Genomes Project 30x 0.03725; gnomAD exomes 0.02126; TOPMed 0.03266.
gnomAD v4.1: 17,829 of 1,209,467 alleles (1.5%); highest among the groups gnomAD compares: African/African-American, 7.1%; 198 homozygotes.

Submissions (21):

Molecular Diagnostic Laboratory for Inherited Cardiovascular Disease, Montreal Heart Institute
Classification: Benign. Last evaluated: 2026-03-27. Review status: criteria provided, single submitter. Criteria: ACMG Guidelines, 2015. Collection method: clinical testing. Allele origin: germline. Affected: no.

Labcorp Genetics (formerly Invitae), Labcorp
Classification: Benign for Duchenne muscular dystrophy. Last evaluated: 2026-02-04. Review status: criteria provided, single submitter. Criteria: Invitae Variant Classification Sherloc (09022015). Collection method: clinical testing. Allele origin: germline.

ARUP Laboratories, Molecular Genetics and Genomics, ARUP Laboratories
Classification: Benign. Last evaluated: 2025-07-08. Review status: criteria provided, single submitter. Criteria: ARUP Molecular Germline Variant Investigation Process 2024. Collection method: clinical testing. Allele origin: germline.

Blueprint Genetics
Classification: Benign. Last evaluated: 2024-11-28. Review status: criteria provided, single submitter. Criteria: ACMG Guidelines, 2015. Collection method: clinical testing. Allele origin: germline.

Mayo Clinic Laboratories, Mayo Clinic
Classification: Benign. Last evaluated: 2023-04-26. Review status: criteria provided, single submitter. Criteria: ACMG Guidelines, 2015. Collection method: clinical testing. Allele origin: germline. Observed: 45 variant alleles.
Comment: BA1, BP4

Pars Genome Lab
Classification: Benign for Duchenne muscular dystrophy. Last evaluated: 2021-05-18. Review status: criteria provided, single submitter. Criteria: ACMG Guidelines, 2015. Collection method: clinical testing. Allele origin: germline. Affected: no.

Women's Health and Genetics/Laboratory Corporation of America, LabCorp
Classification: Benign. Last evaluated: 2019-03-07. Review status: criteria provided, single submitter. Criteria: LabCorp Variant Classification Summary - May 2015. Collection method: clinical testing. Allele origin: germline.
Comment: Variant summary: DMD c.8734A>G (p.Asn2912Asp) results in a conservative amino acid change located in in a spectrin/alpha-actinin repeat (IPR018159) of the encoded protein sequence. Five of five in-silico tools predict a benign effect of the variant on protein function. The variant allele was found at a frequency of 0.022 in 200085 control chromosomes in the gnomAD database, including 59 homozygotes and 1416 hemizygotes. The observed variant frequency is significantly higher than expected for a pathogenic variant in DMD causing Dystrophinopathies phenotype, strongly suggesting that the variant is benign. Seven ClinVar submissions from clinical diagnostic laboratories (evaluation after 2014) cite the variant as benign (6x) and once as likely benign. Based on the evidence outlined above, the variant was classified as benign.

Athena Diagnostics
Classification: Benign. Last evaluated: 2017-09-11. Review status: criteria provided, single submitter. Criteria: Athena Diagnostics Criteria. Collection method: clinical testing. Allele origin: germline.

Phosphorus, Inc.
Classification: Benign for Duchenne muscular dystrophy. Last evaluated: 2017-08-01. Review status: criteria provided, single submitter. Criteria: ACMG Guidelines, 2015. Collection method: clinical testing. Allele origin: germline. Observed: 2 variant alleles.

Illumina Laboratory Services, Illumina
Classification: Likely benign for Dilated cardiomyopathy 3B. Last evaluated: 2017-04-27. Review status: criteria provided, single submitter. Criteria: ICSL Variant Classification Criteria 13 December 2019. Collection method: clinical testing. Allele origin: germline.
Comment: This variant was observed as part of a predisposition screen in an ostensibly healthy population. A literature search was performed for the gene, cDNA change, and amino acid change (where applicable). No publications were found based on this search. Allele frequency data from public databases allowed determination this variant is unlikely to cause disease. Therefore, this variant is classified as likely benign.

Ambry Genetics
Classification: Benign for Cardiovascular phenotype. Last evaluated: 2015-10-23. Review status: criteria provided, single submitter. Criteria: Ambry Variant Classification Scheme 2023. Collection method: clinical testing. Allele origin: germline.

Laboratory for Molecular Medicine, Mass General Brigham Personalized Medicine
Classification: Benign. Last evaluated: 2015-03-21. Review status: criteria provided, single submitter. Criteria: LMM Criteria. Collection method: clinical testing. Allele origin: germline. Observed: 11 variant alleles.
Comment: p.Asn2912Asp in exon 59 of DMD: This variant is not expected to have clinical si gnificance because it has been identified in 7.6% (802/10506) of African chromos omes by the Exome Aggregation Consortium (ExAC; dbSNP rs1800278).

Eurofins Ntd Llc (ga)
Classification: Benign. Last evaluated: 2014-08-08. Review status: criteria provided, single submitter. Criteria: EGL Classification Definitions 2015. Collection method: clinical testing. Allele origin: germline. Observed: 21 variant alleles, 8 heterozygotes, 2 homozygotes, 11 hemizygotes.

GeneDx
Classification: Benign. Last evaluated: 2014-01-17. Review status: criteria provided, single submitter. Criteria: GeneDx Variant Classification (06012015). Collection method: clinical testing. Allele origin: germline. Affected: yes.
Comment: This variant is considered likely benign or benign based on one or more of the following criteria: it is a conservative change, it occurs at a poorly conserved position in the protein, it is predicted to be benign by multiple in silico algorithms, and/or has population frequency not consistent with disease.

Breakthrough Genomics
Classification: Likely benign. Review status: criteria provided, single submitter. Criteria: ACMG Guidelines, 2015. Collection method: not provided. Allele origin: germline. Inheritance: X-linked inheritance. Affected: yes.

PreventionGenetics, part of Exact Sciences
Classification: Benign. Review status: criteria provided, single submitter. Criteria: ACMG Guidelines, 2015. Collection method: clinical testing. Allele origin: germline.

Natera, Inc.
Classification: Benign for Becker muscular dystrophy; Cardiomyopathy; Duchenne muscular dystrophy; Dystrophin deficiency. Last evaluated: 2019-08-02. Review status: no assertion criteria provided. Collection method: clinical testing. Allele origin: germline. Not counted in ClinVar's aggregate classification.

OMIM
Classification: Uncertain significance for RECLASSIFIED - VARIANT OF UNKNOWN SIGNIFICANCE. Last evaluated: 1994-09-01. Review status: no assertion criteria provided. Collection method: literature only. Allele origin: germline. Not counted in ClinVar's aggregate classification.

Diagnostic Laboratory, Department of Genetics, University Medical Center Groningen
Classification: Benign. Review status: no assertion criteria provided. Collection method: clinical testing. Allele origin: germline. Affected: yes. Study: VKGL Data-share Consensus. Not counted in ClinVar's aggregate classification.

Genome Diagnostics Laboratory, University Medical Center Utrecht
Classification: Benign. Review status: no assertion criteria provided. Collection method: clinical testing. Allele origin: germline. Affected: yes. Study: VKGL Data-share Consensus. Not counted in ClinVar's aggregate classification.

Laboratory of Diagnostic Genome Analysis, Leiden University Medical Center (LUMC)
Classification: Benign. Review status: no assertion criteria provided. Collection method: clinical testing. Allele origin: germline. Affected: yes. Study: VKGL Data-share Consensus. Not counted in ClinVar's aggregate classification.

Literature cited by the submitters: PubMed 19158079 (cited by Women's Health and Genetics/Laboratory Corporation of America, LabCorp and Athena Diagnostics); PubMed 23871722 (cited by Athena Diagnostics); PubMed 25333069 (cited by Athena Diagnostics and Phosphorus, Inc.); PubMed 7881286 (cited by 4 submitters); PubMed 26284620 (cited by Athena Diagnostics); PubMed 21515508 (cited by Athena Diagnostics); PubMed 18583217 (cited by Athena Diagnostics); PubMed 20696926 (cited by Athena Diagnostics); PubMed 7599638 (cited by Phosphorus, Inc. and Laboratory for Molecular Medicine, Mass General Brigham Personalized Medicine); PubMed 12359139 (cited by Phosphorus, Inc. and Laboratory for Molecular Medicine, Mass General Brigham Personalized Medicine); PubMed 14695533 (cited by Phosphorus, Inc. and Laboratory for Molecular Medicine, Mass General Brigham Personalized Medicine); PubMed 19937601 (cited by Phosphorus, Inc. and Laboratory for Molecular Medicine, Mass General Brigham Personalized Medicine); PubMed 21969337 (cited by Phosphorus, Inc. and Laboratory for Molecular Medicine, Mass General Brigham Personalized Medicine); PubMed 23757202 (cited by Phosphorus, Inc.); Hamosh, A. Personal Communication. 2018. Baltimore, Md. (cited by OMIM).

NM_004006.3(DMD):c.8734A>G (p.Asn2912Asp)

Gene: DMD (dystrophin; minus strand). Cytogenetic location: Xp21.2.
Variant type: single nucleotide variant.
Coding change: c.8734A>G on transcript NM_004006.3 (MANE Select); coding-DNA position 8734, A replaced by G.
Protein change: p.Asn2912Asp; replaces asparagine 2912 with aspartic acid.
Molecular consequence: missense variant.
Genome position (GRCh38, 1-based): chrX:31,478,309, T>C on the plus strand (A>G on the coding strand, the complement: DMD is on the minus strand). VCF-style: chrX-31478309-T-C. GRCh37 (hg19) VCF-style: chrX-31496426-T-C.
Other names: p.N2912D:AAT>GAT; c.1354A>G, p.Asn452Asp (NM_004020.4, NM_004021.3, NM_004022.3 and 2 more transcripts); c.8710A>G, p.Asn2904Asp (NM_000109.4); c.8722A>G, p.Asn2908Asp (NM_004009.3); c.8365A>G, p.Asn2789Asp (NM_004010.3); c.4711A>G, p.Asn1571Asp (NM_004011.4); c.4702A>G, p.Asn1568Asp (NM_004012.4); c.547A>G, p.Asn183Asp (NM_004014.3); short protein forms N2912D, N1571D, N2789D, N452D, N183D, N2908D, N1568D, N2904D.
Identifiers: ClinVar variation 11268 (VCV000011268.48), dbSNP rs1800278, ClinGen allele CA285623.